The following is an entry in ClinVar:

ClinVar aggregate classification (germline): Pathogenic (1 of 4 stars; one submission).

Conditions:
Congenital hyperammonemia, type I. Also called: CPS I DEFICIENCY; Carbamoyl phosphate synthetase I deficiency disease; Carbamoyl phosphate synthetase 1 deficiency; Hyperammonemia due to carbamoyl phosphate synthetase 1 deficiency; CPS 1 deficiency; Carbamyl phosphate synthetase (CPS) deficiency. Identifiers: Orphanet 147, MedGen C4082171, MONDO:0009376, OMIM 237300.

Submission:

Labcorp Genetics (formerly Invitae), Labcorp
Classification: Pathogenic for Congenital hyperammonemia, type I. Last evaluated: 2024-02-01. Review status: criteria provided, single submitter. Criteria: Invitae Variant Classification Sherloc (09022015). Collection method: clinical testing. Allele origin: germline.
Comment: This sequence change creates a premature translational stop signal (p.Tyr212*) in the CPS1 gene. It is expected to result in an absent or disrupted protein product. Loss-of-function variants in CPS1 are known to be pathogenic (PMID: 21120950). This variant is not present in population databases (gnomAD no frequency). This variant has not been reported in the literature in individuals affected with CPS1-related conditions. Algorithms developed to predict the effect of sequence changes on RNA splicing suggest that this variant may disrupt the consensus splice site. For these reasons, this variant has been classified as Pathogenic.

Literature cited by the submitters: PubMed 21120950.

NM_001875.5(CPS1):c.636C>A (p.Tyr212Ter)

Gene: CPS1 (carbamoyl-phosphate synthase 1; plus strand). Cytogenetic location: 2q34.
Variant type: single nucleotide variant.
Coding change: c.636C>A on transcript NM_001875.5 (MANE Select); coding-DNA position 636, C replaced by A.
Protein change: p.Tyr212Ter; replaces tyrosine 212 with a stop codon.
Molecular consequence: nonsense. On other transcripts: non-coding transcript variant (1).
Genome position (GRCh38, 1-based): chr2:210,588,072, C>A. VCF-style: chr2-210588072-C-A. GRCh37 (hg19) VCF-style: chr2-211452796-C-A.
Other names: c.636C>A, p.Tyr212Ter (NM_001122633.3, NM_001369257.1); c.669C>A, p.Tyr223Ter (NM_001369256.1); short protein forms Y212*, Y223*.
Identifiers: ClinVar variation 3638065 (VCV003638065.2).